The following is an entry in ClinVar:

ClinVar aggregate classification (germline): Likely benign. Review status: criteria provided, multiple submitters, no conflicts (2 of 4 stars). 3 submissions from 3 submitters: Likely benign (2). 1 of the submissions does not count toward it. Last evaluated 2025-06-24.

Conditions:
Charcot-Marie-Tooth disease type 2. Also called: Charcot-Marie-Tooth type 2. Identifiers: Orphanet 64746, MedGen C0270914, MONDO:0018993.
KIF1B-related disorder. Also called: KIF1B-related condition.

Allele frequency attached by ClinVar (database versions not stated): gnomAD exomes 0.00006 and 0.00001; ESP Exome Variant Server 0.00031; TOPMed 0.00018; gnomAD 0.00016; 1000 Genomes Project 30x 0.00031; 1000 Genomes Project 0.00040; ExAC 0.00010.
gnomAD v4.1: 40 of 1,614,082 alleles (0.0025%); highest among the groups gnomAD compares: African/African-American, 0.053%; no homozygotes.

Submissions (3):

Labcorp Genetics (formerly Invitae), Labcorp
Classification: Likely benign for Charcot-Marie-Tooth disease type 2. Last evaluated: 2025-06-24. Review status: criteria provided, single submitter. Criteria: Invitae Variant Classification Sherloc (09022015). Collection method: clinical testing. Allele origin: germline.

Ambry Genetics
Classification: Likely benign. Last evaluated: 2020-10-15. Review status: criteria provided, single submitter. Criteria: Ambry Variant Classification Scheme 2023. Collection method: clinical testing. Allele origin: germline.

PreventionGenetics, part of Exact Sciences
Classification: Likely benign for KIF1B-related condition. Last evaluated: 2022-03-10. Review status: no assertion criteria provided. Collection method: clinical testing. Allele origin: germline. Not counted in ClinVar's aggregate classification.
Comment: This variant is classified as likely benign based on ACMG/AMP sequence variant interpretation guidelines (Richards et al. 2015 PMID: 25741868, with internal and published modifications).

NM_001365951.3(KIF1B):c.4855C>G (p.Pro1619Ala)

Gene: KIF1B (kinesin family member 1B; plus strand). Cytogenetic location: 1p36.22.
Variant type: single nucleotide variant.
Coding change: c.4855C>G on transcript NM_001365951.3 (MANE Select); coding-DNA position 4855, C replaced by G.
Protein change: p.Pro1619Ala; replaces proline 1619 with alanine.
Molecular consequence: missense variant.
Genome position (GRCh38, 1-based): chr1:10,371,171, C>G. VCF-style: chr1-10371171-C-G. GRCh37 (hg19) VCF-style: chr1-10431229-C-G.
Other names: c.4855C>G, p.Pro1619Ala (NM_001365952.1); c.4717C>G, p.Pro1573Ala (NM_015074.3); short protein forms P1573A, P1619A.
Identifiers: ClinVar variation 1160690 (VCV001160690.13), dbSNP rs146177892, ClinGen allele CA582211.